The following is an entry in ClinVar:

NM_001201543.2(FAM161A):c.1309A>T (p.Arg437Ter)

Gene: FAM161A (FAM161 centrosomal protein A; minus strand). Cytogenetic location: 2p15.
Variant type: single nucleotide variant.
Coding change: c.1309A>T on transcript NM_001201543.2 (MANE Select); coding-DNA position 1309, A replaced by T.
Protein change: p.Arg437Ter; replaces arginine 437 with a stop codon.
Molecular consequence: nonsense. On other transcripts: non-coding transcript variant (1).
Genome position (GRCh38, 1-based): chr2:61,839,695, T>A on the plus strand (A>T on the coding strand, the complement: FAM161A is on the minus strand). VCF-style: chr2-61839695-T-A. GRCh37 (hg19) VCF-style: chr2-62066830-T-A.
Other names: c.1309A>T, p.Arg437Ter (NM_032180.3); short protein forms R437*.
Identifiers: ClinVar variation 36 (VCV000000036.90), dbSNP rs200691042, ClinGen allele CA233978.
Genomic context (GRCh38, chr2:61,839,695, plus strand): 5'-ATGGTTTACACACTGTTAAGAGTTTTGGAGACTTGTGTTCTGAGAGGTGTTTCTGGTATC[T>A]CTCAGGAAGGTCCTCAAAATCAGGAGTTGGGCACCTAACCTTGTGTTTACACTTCAACTT-3'

ClinVar aggregate classification (germline): Pathogenic. Review status: criteria provided, multiple submitters, no conflicts (2 of 4 stars). 27 submissions from 25 submitters: Pathogenic (19). 8 of the submissions do not count toward it. Last evaluated 2026-09-15.

Conditions:
FAM161A-related disorder. Also called: FAM161A-related condition.
Retinal dystrophy. Also called: Inherited retinal dystrophy. Identifiers: Orphanet 71862, MedGen C0854723, MeSH D058499, MONDO:0019118, HP:0000556.
Retinitis pigmentosa (RP). Identifiers: Orphanet 791, MedGen C0035334, MeSH D012174, MONDO:0019200, OMIM 268000. Inheritance: Autosomal dominant, autosomal recessive and X linked inheritance.
Cone-rod dystrophy. Also called: Cone/cone-rod dystrophy; Cone-rod degeneration. Identifiers: Orphanet 1872, MedGen C4085590, MONDO:0015993, HP:0000548.
Retinitis pigmentosa 28 (RP28). Identifiers: Orphanet 791, MedGen C1419614, MONDO:0011630, OMIM 606068.

Allele frequency attached by ClinVar (database versions not stated): 1000 Genomes Project 30x 0.00016; 1000 Genomes Project 0.00020; ExAC 0.00026; gnomAD 0.00028 and 0.00030; gnomAD exomes 0.00028 and 0.00044; TOPMed 0.00032; ESP Exome Variant Server 0.00042.
gnomAD v4.1: 671 of 1,614,194 alleles (0.042%); highest among the groups gnomAD compares: Non-Finnish European, 0.055%; 1 homozygote.

Submissions 1 to 13 of 27:

PreventionGenetics, part of Exact Sciences
Classification: Pathogenic for FAM161A-related condition. Last evaluated: 2026-09-15. Review status: criteria provided, single submitter. Criteria: ACMG Guidelines, 2015. Collection method: clinical testing. Allele origin: germline.
Comment: The FAM161A c.1309A>T variant is predicted to result in premature protein termination (p.Arg437*). This variant has been reported many times in the homozygous and compound heterozygous states in individuals with retinitis pigmentosa (see for examples Langmann et al. 2010. PubMed ID: 20705278; Wang et al. 2014. PubMed ID: 25097241). This variant has been reported as a recurrent founder allele in Dutch and Belgian individuals with autosomal recessive RP (Van Schil et al. 2015. PubMed ID: 26574802). This variant is reported in 0.057% of alleles in individuals of European (Non-Finnish) descent in gnomAD. Nonsense variants in FAM161A are expected to be pathogenic, and this variant has been classified as pathogenic by multiple independent submitters to the ClinVar database (Variation ID: 36). Given the evidence, we interpret c.1309A>T (p.Arg437*) as pathogenic.

Women's Health and Genetics/Laboratory Corporation of America, LabCorp
Classification: Pathogenic for Retinitis pigmentosa. Last evaluated: 2026-06-30. Review status: criteria provided, single submitter. Criteria: LabCorp Variant Classification Summary - May 2015. Collection method: clinical testing. Allele origin: germline.
Comment: Variant summary: FAM161A c.1309A>T (p.Arg437X) results in a premature termination codon, predicted to cause a truncation of the encoded protein or absence of the protein due to nonsense mediated decay, which are commonly known mechanisms for disease. Loss-of-function variants in this gene are known to be pathogenic. The variant allele was found at a frequency of 0.00028 in 249396 control chromosomes. This frequency is not significantly higher than estimated for disease-causing variants in FAM161A, allowing no conclusion about variant significance. c.1309A>T has been observed in multiple homozygous individuals affected with Retinitis Pigmentosa (Langmann_2010). These data indicate that the variant is very likely to be associated with disease. To our knowledge, no experimental evidence demonstrating an impact on protein function has been reported. The following publication have been ascertained in the context of this evaluation (PMID: 20705278). ClinVar contains an entry for this variant (Variation ID: 36). Based on the evidence outlined above, the variant was classified as pathogenic.

Natera, Inc.
Classification: Pathogenic for Retinitis pigmentosa type 28. Last evaluated: 2026-01-15. Review status: criteria provided, single submitter. Criteria: Natera Variant Classification Schema (03/2026). Collection method: clinical testing. Allele origin: germline.
Comment: The c.1309A>T variant in FAM161A is a nonsense variant predicted to introduce a stop codon at amino acid 437. This variant is expected to result in nonsense mediated decay, truncation, or a dysfunctional protein product. This variant is rare in the general population with a frequency below the threshold expected for the associated phenotype(s). This variant has been observed in one or more individuals affected with the associated recessive disease, as either homozygous or compound heterozygous with a second variant (PMID: 25097241). Given the available evidence, this variant is classified as Pathogenic.

Labcorp Genetics (formerly Invitae), Labcorp
Classification: Pathogenic. Last evaluated: 2026-01-13. Review status: criteria provided, single submitter. Criteria: Invitae Variant Classification Sherloc (09022015). Collection method: clinical testing. Allele origin: germline.
Comment: This sequence change creates a premature translational stop signal (p.Arg437*) in the FAM161A gene. It is expected to result in an absent or disrupted protein product. Loss-of-function variants in FAM161A are known to be pathogenic (PMID: 20705278, 20705279, 24651477). This variant is present in population databases (rs200691042, gnomAD 0.05%). This premature translational stop signal has been observed in individuals with FAM161A-related conditions (PMID: 20705278, 26113502, 26574802). It has also been observed to segregate with disease in related individuals. ClinVar contains an entry for this variant (Variation ID: 36). For these reasons, this variant has been classified as Pathogenic.

Variantyx, Inc.
Classification: Pathogenic for Retinitis pigmentosa 28. Last evaluated: 2025-10-20. Review status: criteria provided, single submitter. Criteria: Variantyx Assertion Criteria 2022. Collection method: clinical testing. Allele origin: germline. Inheritance: Autosomal recessive inheritance. Affected: yes.
Comment: This is a nonsense variant in the FAM161A gene (OMIM: 613596). Pathogenic variants in this gene have been associated with autosomal recessive retinitis pigmentosa 28. This variant introduces a premature termination codon in exon 3 out of 7 and is expected to result in loss of function, which is a known disease mechanism for FAM161A in this disorder (PMID: 20705278, 20705279, 24651477) (PVS1). it has been identified in the homozygous or compound heterozygous state in many unrelated affected individuals reported in the published literature (PMID: 20705278, 26113502, 26574802) (PM3_Strong) and it has a 0.0551% maximum allele frequency in non-founder control populations (PM2). Based on the current evidence, this variant is classified as pathogenic for autosomal recessive retinitis pigmentosa 28.

Bioscientia Institut fuer Medizinische Diagnostik GmbH, Sonic Healthcare
Classification: Pathogenic for Retinitis pigmentosa 28. Last evaluated: 2025-03-07. Review status: criteria provided, single submitter. Criteria: ACMG Guidelines, 2015. Collection method: clinical testing. Allele origin: germline. Affected: yes.

Blueprint Genetics
Classification: Pathogenic for FAM161A-related disorders. Last evaluated: 2024-11-17. Review status: criteria provided, single submitter. Criteria: ACMG Guidelines, 2015. Collection method: clinical testing. Allele origin: germline. Affected: yes. Observed: 5 variant alleles.

CeGaT Center for Human Genetics Tuebingen
Classification: Pathogenic. Last evaluated: 2023-09-01. Review status: criteria provided, single submitter. Criteria: CeGaT Center For Human Genetics Tuebingen Variant Classification Criteria Version 2. Collection method: clinical testing. Allele origin: germline. Affected: yes. Observed: 4 variant alleles.
Comment: FAM161A: PM3:Very Strong, PVS1, PM2

Institute of Human Genetics, Univ. Regensburg, Univ. Regensburg
Classification: Pathogenic for Retinal dystrophy. Last evaluated: 2023-01-01. Review status: criteria provided, single submitter. Criteria: ACMG Guidelines, 2015. Collection method: clinical testing. Allele origin: germline. Affected: yes.

GeneDx
Classification: Pathogenic. Last evaluated: 2022-02-09. Review status: criteria provided, single submitter. Criteria: GeneDx Variant Classification Process June 2021. Collection method: clinical testing. Allele origin: germline. Affected: yes.
Comment: Nonsense variant predicted to result in protein truncation or nonsense mediated decay in a gene for which loss-of-function is a known mechanism of disease; This variant is associated with the following publications: (PMID: 30718709, 25097241, 25525159, 20705278, 28559085, 26113502, 26574802, 25999674, 31589614, 34426522, 33576794)

Genetics and Molecular Pathology, SA Pathology
Classification: Pathogenic for Retinitis pigmentosa 28. Last evaluated: 2022-01-21. Review status: criteria provided, single submitter. Criteria: ACMG Guidelines, 2015. Collection method: clinical testing. Allele origin: germline. Affected: yes.

Institute of Medical Genetics and Applied Genomics, University Hospital Tübingen
Classification: Pathogenic. Last evaluated: 2021-09-15. Review status: criteria provided, single submitter. Criteria: ACMG Guidelines, 2015. Collection method: clinical testing. Allele origin: germline. Inheritance: Autosomal recessive inheritance. Affected: yes.

Ocular Genomics Institute, Massachusetts Eye and Ear
Classification: Pathogenic for Retinitis pigmentosa 28. Last evaluated: 2021-04-08. Review status: criteria provided, single submitter. Criteria: ACMG Guidelines, 2015. Collection method: research. Allele origin: germline. Affected: yes.
Comment: Through a review of available evidence we were able to apply the following criteria: PVS1, PM2, PM3. Based on this evidence we have classified this variant as Pathogenic.